The following is an entry in ClinVar:

ClinVar aggregate classification (germline): Conflicting classifications of pathogenicity. Review status: criteria provided, conflicting classifications (1 of 4 stars). 3 submissions from 3 submitters: Uncertain significance (2); Likely benign (1). Last evaluated 2025-12-13.

Conditions:
Hereditary cancer-predisposing syndrome. Also called: Neoplastic Syndromes, Hereditary; Tumor predisposition; Hereditary Cancer Syndrome; Hereditary neoplastic syndrome. Identifiers: Orphanet 140162, MedGen C0027672, MeSH D009386, MONDO:0015356.

Allele frequency attached by ClinVar (database versions not stated): ExAC 0.00001; gnomAD exomes 0.00001 and 0.00002.
gnomAD v4.1: 25 of 1,612,710 alleles (0.0016%); highest among the groups gnomAD compares: Non-Finnish European, 0.002%; no homozygotes.

Submissions (3):

Labcorp Genetics (formerly Invitae), Labcorp
Classification: Uncertain significance. Last evaluated: 2025-12-13. Review status: criteria provided, single submitter. Criteria: Invitae Variant Classification Sherloc (09022015). Collection method: clinical testing. Allele origin: germline.
Comment: This sequence change replaces glutamic acid, which is acidic and polar, with lysine, which is basic and polar, at codon 597 of the POLE protein (p.Glu597Lys). This variant is present in population databases (rs768396766, gnomAD 0.002%). This variant has not been reported in the literature in individuals affected with POLE-related conditions. ClinVar contains an entry for this variant (Variation ID: 473484). Invitae Evidence Modeling of protein sequence and biophysical properties (such as structural, functional, and spatial information, amino acid conservation, physicochemical variation, residue mobility, and thermodynamic stability) indicates that this missense variant is not expected to disrupt POLE protein function with a negative predictive value of 80%. In summary, the available evidence is currently insufficient to determine the role of this variant in disease. Therefore, it has been classified as a Variant of Uncertain Significance.

Center for Genomic Medicine, Rigshospitalet, Copenhagen University Hospital
Classification: Uncertain significance. Last evaluated: 2025-03-04. Review status: criteria provided, single submitter. Criteria: ACMG Guidelines, 2015. Collection method: clinical testing. Allele origin: germline.

Ambry Genetics
Classification: Likely benign for Hereditary cancer-predisposing syndrome. Last evaluated: 2025-01-07. Review status: criteria provided, single submitter. Criteria: Ambry Variant Classification Scheme 2023. Collection method: clinical testing. Allele origin: germline.

NM_006231.4(POLE):c.1789G>A (p.Glu597Lys)

Gene: POLE (DNA polymerase epsilon, catalytic subunit; minus strand). Cytogenetic location: 12q24.33.
Variant type: single nucleotide variant.
Coding change: c.1789G>A on transcript NM_006231.4 (MANE Select); coding-DNA position 1789, G replaced by A.
Protein change: p.Glu597Lys; replaces glutamic acid 597 with lysine.
Molecular consequence: missense variant.
Genome position (GRCh38, 1-based): chr12:132,672,220, C>T on the plus strand (G>A on the coding strand, the complement: POLE is on the minus strand). VCF-style: chr12-132672220-C-T. GRCh37 (hg19) VCF-style: chr12-133248806-C-T.
Other names: c.1789G>A (NM_006231.2); short protein forms E597K.
Identifiers: ClinVar variation 473484 (VCV000473484.10), dbSNP rs768396766, ClinGen allele CA6893835.